The following is an entry in ClinVar:

NM_001130438.3(SPTAN1):c.1396T>G (p.Cys466Gly)

Gene: SPTAN1 (spectrin alpha, non-erythrocytic 1; plus strand). Cytogenetic location: 9q34.11.
Variant type: single nucleotide variant.
Coding change: c.1396T>G on transcript NM_001130438.3 (MANE Select); coding-DNA position 1396, T replaced by G.
Protein change: p.Cys466Gly; replaces cysteine 466 with glycine.
Molecular consequence: missense variant.
Genome position (GRCh38, 1-based): chr9:128,580,994, T>G. VCF-style: chr9-128580994-T-G. GRCh37 (hg19) VCF-style: chr9-131343273-T-G.
Other names: c.1396T>G, p.Cys466Gly (NM_001438444.1, NM_001438445.1, NM_003127.4 and 10 more transcripts); c.1432T>G, p.Cys478Gly (NM_001375312.2, NM_001375318.1, NM_001438440.1); short protein forms C478G, C466G.
Identifiers: ClinVar variation 4795430 (VCV004795430.2).

ClinVar aggregate classification (germline): Uncertain significance (1 of 4 stars; one submission).

gnomAD v4.1: 1 of 1,613,990 alleles (0.000062%); highest among the groups gnomAD compares: Non-Finnish European, 0.000085%; no homozygotes.

Submission:

GeneDx
Classification: Uncertain significance. Last evaluated: 2026-04-01. Review status: criteria provided, single submitter. Criteria: GeneDx Variant Classification Process June 2021. Collection method: clinical testing. Allele origin: germline.
Comment: Not observed at significant frequency in large population cohorts (gnomAD); In silico analysis supports that this missense variant has a deleterious effect on protein structure/function; Has not been previously published as pathogenic or benign to our knowledge